The following is an entry in ClinVar:

NM_000423.3(KRT2):c.1281C>T (p.Ala427=)

Gene: KRT2 (keratin 2; minus strand). Cytogenetic location: 12q13.13.
Variant type: single nucleotide variant.
Coding change: c.1281C>T on transcript NM_000423.3 (MANE Select); coding-DNA position 1281, C replaced by T.
Protein change: p.Ala427=; no amino-acid change (alanine 427 retained).
Molecular consequence: synonymous variant.
Genome position (GRCh38, 1-based): chr12:52,646,928, G>A on the plus strand (C>T on the coding strand, the complement: KRT2 is on the minus strand). VCF-style: chr12-52646928-G-A. GRCh37 (hg19) VCF-style: chr12-53040712-G-A.
Identifiers: ClinVar variation 309605 (VCV000309605.16), dbSNP rs143712313, ClinGen allele CA6585514.
Genomic context (GRCh38, chr12:52,646,928, plus strand): 5'-CTCCTCCAGGTCATTCAACTTGTTCCTGGCATCCTTGAGGGCATGCTCCCCACGCTGCTC[G>A]GCATCTGCGATGGCATCTTGCACATTCTTACACTATGACAGAAGGACAGAGAATGGATTC-3'
Protein context (NP_000414.2, residues 417-437): CKNVQDAIAD[Ala427=]EQRGEHALKD

ClinVar aggregate classification (germline): Benign. Review status: criteria provided, multiple submitters, no conflicts (2 of 4 stars). 4 submissions from 4 submitters: Benign (3). 1 of the submissions does not count toward it. Last evaluated 2025-05-13.

Conditions:
KRT2-related disorder. Also called: KRT2-related condition.
Ichthyosis bullosa of Siemens (IBS). Also called: Superficial epidermolytic ichthyosis. Identifiers: Orphanet 455, MedGen C0432306, MONDO:0007813, OMIM 146800.

Allele frequency attached by ClinVar (database versions not stated): TOPMed 0.00029; ESP Exome Variant Server 0.00038; 1000 Genomes Project 30x 0.00047; 1000 Genomes Project 0.00060; ExAC 0.00069; gnomAD 0.00074 and 0.00075; gnomAD exomes 0.00096.
gnomAD v4.1: 902 of 1,614,118 alleles (0.056%); highest among the groups gnomAD compares: Admixed American, 0.038%; 4 homozygotes.

Submissions (4):

Labcorp Genetics (formerly Invitae), Labcorp
Classification: Benign. Last evaluated: 2025-05-13. Review status: criteria provided, single submitter. Criteria: Invitae Variant Classification Sherloc (09022015). Collection method: clinical testing. Allele origin: germline.

Illumina Laboratory Services, Illumina
Classification: Benign for Ichthyosis bullosa of Siemens. Last evaluated: 2018-01-13. Review status: criteria provided, single submitter. Criteria: ICSL Variant Classification Criteria 13 December 2019. Collection method: clinical testing. Allele origin: germline.
Comment: This variant was observed in the ICSL laboratory as part of a predisposition screen in an ostensibly healthy population. It had not been previously curated by ICSL or reported in the Human Gene Mutation Database (HGMD: prior to June 1st, 2018), and was therefore a candidate for classification through an automated scoring system. Utilizing variant allele frequency, disease prevalence and penetrance estimates, and inheritance mode, an automated score was calculated to assess if this variant is too frequent to cause the disease. Based on the score and internal cut-off values, a variant classified as benign is not then subjected to further curation. The score for this variant resulted in a classification of benign for this disease.

Breakthrough Genomics
Classification: Benign. Review status: criteria provided, single submitter. Criteria: ACMG Guidelines, 2015. Collection method: not provided. Allele origin: germline. Inheritance: Autosomal dominant inheritance. Affected: yes.

PreventionGenetics, part of Exact Sciences
Classification: Benign for KRT2-related condition. Last evaluated: 2020-05-22. Review status: no assertion criteria provided. Collection method: clinical testing. Allele origin: germline. Not counted in ClinVar's aggregate classification.
Comment: This variant is classified as benign based on ACMG/AMP sequence variant interpretation guidelines (Richards et al. 2015 PMID: 25741868, with internal and published modifications).